The following is an entry in ClinVar:

ClinVar aggregate classification (germline): Uncertain significance (1 of 4 stars; one submission).

gnomAD v4.1: 1 of 1,608,812 alleles (0.000062%); highest among the groups gnomAD compares: Admixed American, 0.0017%; no homozygotes.

Submission:

Dasa
Classification: Uncertain significance. Last evaluated: 2025-03-01. Review status: criteria provided, single submitter. Criteria: DASA Assertion Criteria. Collection method: clinical testing. Allele origin: germline.
Comment: NM_006766.5(KAT6A):c.1459G>A (p.Asp487Asn) is a missense variant that results in the substitution of aspartic acid with asparagine. This variant is rare in population databases. Computational prediction algorithms are consistent with a benign effect. The currently available literature and clinical evidence are not sufficient to establish a definitive association between this variant and the reported condition. Therefore, this variant is classified as a variant of uncertain significance.

NM_006766.5(KAT6A):c.1459G>A (p.Asp487Asn)

Gene: KAT6A (lysine acetyltransferase 6A; minus strand). Cytogenetic location: 8p11.21.
Variant type: single nucleotide variant.
Coding change: c.1459G>A on transcript NM_006766.5 (MANE Select); coding-DNA position 1459, G replaced by A.
Protein change: p.Asp487Asn; replaces aspartic acid 487 with asparagine.
Molecular consequence: missense variant.
Genome position (GRCh38, 1-based): chr8:41,974,727, C>T on the plus strand (G>A on the coding strand, the complement: KAT6A is on the minus strand). VCF-style: chr8-41974727-C-T. GRCh37 (hg19) VCF-style: chr8-41832245-C-T.
Other names: c.1459G>A, p.Asp487Asn (NM_001305878.2); short protein forms D487N.
Identifiers: ClinVar variation 5020990 (VCV005020990.1).